The following is an entry in ClinVar:

NM_006017.3(PROM1):c.2198_2199del (p.Ser733fs)

Gene: PROM1 (prominin 1; minus strand). Cytogenetic location: 4p15.32.
Variant type: Microsatellite.
Coding change: c.2198_2199del on transcript NM_006017.3 (MANE Select); coding-DNA positions 2198 to 2199, 2 bases deleted (CT; older notation c.2198_2199delCT).
Protein change: p.Ser733fs; shifts the reading frame from serine 733.
Molecular consequence: frameshift variant.
Genome position (GRCh38, 1-based): chr4:15,985,969-15,985,970, AG deleted on the plus strand (CT on the coding strand, the reverse complement: PROM1 is on the minus strand); deleting any 2 consecutive bases within chr4:15,985,969-15,985,972 gives the same sequence; the c. name uses the placement nearest the transcript's 3' end. VCF-style (leftmost placement, unchanged base first): chr4-15985968-CAG-C. GRCh37 (hg19) VCF-style: chr4-15987591-CAG-C.
Other names: c.2171_2172del, p.Ser724fs (NM_001145847.2, NM_001145848.2, NM_001145851.2 and 4 more transcripts); c.2198_2199del, p.Ser733fs (NM_001145849.2, NM_001145850.2); short protein forms S724fs, S733fs.
Identifiers: ClinVar variation 1075161 (VCV001075161.8), dbSNP rs1177575798, ClinGen allele CA789853988.
Genomic context (GRCh38, chr4:15,985,968, plus strand): 5'-ATTCAAGTGCCCACTTATGGACACGCTTACTTTAAAAAAGAAGGCTCACCTCAATAATAA[CAG>C]AGGAAGTATTGTTTGTGATGAAGTTCTGAGCAAAATCCAGAGAAGCTAGAATCCTAGTTA-3'

ClinVar aggregate classification (germline): Pathogenic/Likely pathogenic. Review status: criteria provided, multiple submitters, no conflicts (2 of 4 stars). 2 submissions from 2 submitters: Pathogenic (1); Likely pathogenic (1). Last evaluated 2022-09-01.

Conditions:
PROM1-related disorder. Also called: PROM1-related disorders; PROM1-related condition.

Submissions (2):

Blueprint Genetics
Classification: Likely pathogenic for PROM1-related disorders. Last evaluated: 2022-09-01. Review status: criteria provided, single submitter. Criteria: ACMG Guidelines, 2015. Collection method: clinical testing. Allele origin: germline. Affected: yes. Observed: 1 variant allele.

Labcorp Genetics (formerly Invitae), Labcorp
Classification: Pathogenic. Last evaluated: 2022-08-16. Review status: criteria provided, single submitter. Criteria: Invitae Variant Classification Sherloc (09022015). Collection method: clinical testing. Allele origin: germline.
Comment: For these reasons, this variant has been classified as Pathogenic. This variant is not present in population databases (gnomAD no frequency). This variant has not been reported in the literature in individuals affected with PROM1-related conditions. This sequence change creates a premature translational stop signal (p.Ser733Cysfs*4) in the PROM1 gene. It is expected to result in an absent or disrupted protein product. Loss-of-function variants in PROM1 are known to be pathogenic (PMID: 17605048, 19718270, 24154662, 25474345).

Literature cited by the submitters: PubMed 17605048 (cited by Labcorp Genetics (formerly Invitae), Labcorp); PubMed 19718270 (cited by Labcorp Genetics (formerly Invitae), Labcorp); PubMed 24154662 (cited by Labcorp Genetics (formerly Invitae), Labcorp); PubMed 25474345 (cited by Labcorp Genetics (formerly Invitae), Labcorp).